The following is an entry in ClinVar:

ClinVar aggregate classification (germline): Uncertain significance. Review status: criteria provided, multiple submitters, no conflicts (2 of 4 stars). 3 submissions from 3 submitters: Uncertain significance (3). Last evaluated 2025-04-14.

Conditions:
Intellectual disability, autosomal dominant 16 (CSS4). Also called: COFFIN-SIRIS SYNDROME 4. Identifiers: Orphanet 1465, MedGen C3553249, MONDO:0013821, OMIM 614609.
Rhabdoid tumor predisposition syndrome 2 (RTPS2). Identifiers: Orphanet 231108, Orphanet 69077, MedGen C2750074, MONDO:0013224, OMIM 613325.
Hereditary cancer-predisposing syndrome. Also called: Neoplastic Syndromes, Hereditary; Tumor predisposition; Hereditary neoplastic syndrome; Hereditary Cancer Syndrome. Identifiers: Orphanet 140162, MedGen C0027672, MeSH D009386, MONDO:0015356.

gnomAD v4.1: 6 of 1,611,868 alleles (0.00037%); highest among the groups gnomAD compares: African/African-American, 0.0013%; no homozygotes.

Submissions (3):

Labcorp Genetics (formerly Invitae), Labcorp
Classification: Uncertain significance for Rhabdoid tumor predisposition syndrome 2. Last evaluated: 2025-04-14. Review status: criteria provided, single submitter. Criteria: Invitae Variant Classification Sherloc (09022015). Collection method: clinical testing. Allele origin: germline.
Comment: This sequence change replaces isoleucine, which is neutral and non-polar, with methionine, which is neutral and non-polar, at codon 1432 of the SMARCA4 protein (p.Ile1432Met). This variant is present in population databases (rs577059244, gnomAD 0.007%). This variant has not been reported in the literature in individuals affected with SMARCA4-related conditions. ClinVar contains an entry for this variant (Variation ID: 824763). An algorithm developed to predict the effect of missense changes on protein structure and function (PolyPhen-2) suggests that this variant is likely to be tolerated. In summary, the available evidence is currently insufficient to determine the role of this variant in disease. Therefore, it has been classified as a Variant of Uncertain Significance.

Ambry Genetics
Classification: Uncertain significance for Hereditary cancer-predisposing syndrome. Last evaluated: 2024-08-20. Review status: criteria provided, single submitter. Criteria: Ambry Variant Classification Scheme 2023. Collection method: clinical testing. Allele origin: germline.

Genome-Nilou Lab
Classification: Uncertain significance for Intellectual disability, autosomal dominant 16. Last evaluated: 2021-07-15. Review status: criteria provided, single submitter. Criteria: ACMG Guidelines, 2015. Collection method: clinical testing. Allele origin: germline. Affected: no.

NM_003072.5(SMARCA4):c.4200C>G (p.Ile1400Met)

Gene: SMARCA4 (SWI/SNF related BAF chromatin remodeling complex subunit ATPase 4; plus strand). Cytogenetic location: 19p13.2.
Variant type: single nucleotide variant.
Coding change: c.4200C>G on transcript NM_003072.5 (MANE Select); coding-DNA position 4200, C replaced by G.
Protein change: p.Ile1400Met; replaces isoleucine 1400 with methionine.
Molecular consequence: missense variant. On other transcripts: non-coding transcript variant (1).
Genome position (GRCh38, 1-based): chr19:11,041,336, C>G. VCF-style: chr19-11041336-C-G. GRCh37 (hg19) VCF-style: chr19-11152012-C-G.
Other names: c.4200C>G, p.Ile1400Met (NM_001128844.3); c.4110C>G, p.Ile1370Met (NM_001128845.2, NM_001128846.2); c.4101C>G, p.Ile1367Met (NM_001128847.4, NM_001128848.2, NM_001374457.1); c.4296C>G, p.Ile1432Met (NM_001128849.3); short protein forms I1367M, I1400M, I1370M, I1432M.
Identifiers: ClinVar variation 824763 (VCV000824763.15), dbSNP rs577059244, ClinGen allele CA305294297.